The following is an entry in ClinVar:

NM_002230.4(JUP):c.2021A>G (p.Lys674Arg)

Gene: JUP (junction plakoglobin; minus strand). Cytogenetic location: 17q21.2.
Variant type: single nucleotide variant.
Coding change: c.2021A>G on transcript NM_002230.4 (MANE Select); coding-DNA position 2021, A replaced by G.
Protein change: p.Lys674Arg; replaces lysine 674 with arginine.
Molecular consequence: missense variant.
Genome position (GRCh38, 1-based): chr17:41,757,440, T>C on the plus strand (A>G on the coding strand, the complement: JUP is on the minus strand). VCF-style: chr17-41757440-T-C. GRCh37 (hg19) VCF-style: chr17-39913692-T-C.
Other names: c.2021A>G, p.Lys674Arg (NM_001352773.2, NM_001352774.2, NM_001352775.2 and 3 more transcripts); short protein forms K674R.
Identifiers: ClinVar variation 864527 (VCV000864527.15), dbSNP rs1914011596, ClinGen allele CA399491777.

ClinVar aggregate classification (germline): Conflicting classifications of pathogenicity. Review status: criteria provided, conflicting classifications (1 of 4 stars). 4 submissions from 4 submitters: Uncertain significance (1); Likely benign (1). 2 of the submissions do not count toward it. Last evaluated 2025-10-24.

Conditions:
Cardiovascular phenotype. Identifiers: MedGen CN230736.
Naxos disease (NXD). Also called: KERATOSIS PALMOPLANTARIS WITH ARRHYTHMOGENIC CARDIOMYOPATHY; MAL DE NAXOS; PALMOPLANTAR KERATODERMA WITH ARRHYTHMOGENIC RIGHT VENTRICULAR CARDIOMYOPATHY AND WOOLLY HAIR; WOOLLY HAIR, PALMOPLANTAR KERATODERMA, AND CARDIAC ABNORMALITIES; CARDIOMYOPATHY, ARRHYTHMOGENIC RIGHT VENTRICULAR, WITH SKIN, HAIR, AND NAIL ABNORMALITIES. Identifiers: Orphanet 34217, MedGen C1832600, MONDO:0011017, OMIM 601214.
Arrhythmogenic right ventricular dysplasia 12. Also called: ARRHYTHMOGENIC RIGHT VENTRICULAR DYSPLASIA, FAMILIAL, 12. Identifiers: MedGen C1969081, MONDO:0012684, OMIM 611528.

Allele frequency attached by ClinVar (database versions not stated): gnomAD exomes below 0.00001; gnomAD 0.00003; TOPMed 0.00003.

Submissions (4):

Labcorp Genetics (formerly Invitae), Labcorp
Classification: Uncertain significance for Arrhythmogenic right ventricular dysplasia 12; Naxos disease. Last evaluated: 2025-10-24. Review status: criteria provided, single submitter. Criteria: Invitae Variant Classification Sherloc (09022015). Collection method: clinical testing. Allele origin: germline.
Comment: This sequence change replaces lysine, which is basic and polar, with arginine, which is basic and polar, at codon 674 of the JUP protein (p.Lys674Arg). This variant is not present in population databases (gnomAD no frequency). This variant has not been reported in the literature in individuals affected with JUP-related conditions. ClinVar contains an entry for this variant (Variation ID: 864527). An algorithm developed to predict the effect of missense changes on protein structure and function (PolyPhen-2) suggests that this variant is likely to be tolerated. In summary, the available evidence is currently insufficient to determine the role of this variant in disease. Therefore, it has been classified as a Variant of Uncertain Significance.

Ambry Genetics
Classification: Likely benign for Cardiovascular phenotype. Last evaluated: 2025-01-23. Review status: criteria provided, single submitter. Criteria: Ambry Variant Classification Scheme 2023. Collection method: clinical testing. Allele origin: germline.

Clinical Genetics DNA and cytogenetics Diagnostics Lab, Erasmus MC, Erasmus Medical Center
Classification: Uncertain significance. Review status: no assertion criteria provided. Collection method: clinical testing. Allele origin: germline. Affected: yes. Study: VKGL Data-share Consensus. Not counted in ClinVar's aggregate classification.

Clinical Genetics, Academic Medical Center
Classification: Uncertain significance. Review status: no assertion criteria provided. Collection method: clinical testing. Allele origin: germline. Affected: yes. Study: VKGL Data-share Consensus. Not counted in ClinVar's aggregate classification.